The following is an entry in ClinVar:

NM_000720.4(CACNA1D):c.1536G>C (p.Trp512Cys)

Gene: CACNA1D (calcium voltage-gated channel subunit alpha1 D; plus strand). Cytogenetic location: 3p21.1.
Variant type: single nucleotide variant.
Coding change: c.1536G>C on transcript NM_000720.4 (MANE Plus Clinical); coding-DNA position 1536, G replaced by C.
Protein change: p.Trp512Cys; replaces tryptophan 512 with cysteine.
Molecular consequence: missense variant. On other transcripts: intron variant (2).
Genome position (GRCh38, 1-based): chr3:53,718,739, G>C. VCF-style: chr3-53718739-G-C. GRCh37 (hg19) VCF-style: chr3-53752766-G-C.
Other names: c.1478+351G>C (NM_001128840.3, NM_001128839.3); short protein forms W512C.
Identifiers: ClinVar variation 1305334 (VCV001305334.7), dbSNP rs1350533745, ClinGen allele CA353236208.

ClinVar aggregate classification (germline): Uncertain significance. Review status: criteria provided, multiple submitters, no conflicts (2 of 4 stars). 3 submissions from 3 submitters: Uncertain significance (3). Last evaluated 2023-12-12.

Allele frequency attached by ClinVar (database versions not stated): gnomAD exomes below 0.00001.
gnomAD v4.1: 3 of 1,553,812 alleles (0.00019%); highest among the groups gnomAD compares: Non-Finnish European, 0.00017%; no homozygotes.

Submissions (3):

Labcorp Genetics (formerly Invitae), Labcorp
Classification: Uncertain significance. Last evaluated: 2023-12-12. Review status: criteria provided, single submitter. Criteria: Invitae Variant Classification Sherloc (09022015). Collection method: clinical testing. Allele origin: germline.
Comment: This sequence change replaces tryptophan, which is neutral and slightly polar, with cysteine, which is neutral and slightly polar, at codon 512 of the CACNA1D protein (p.Trp512Cys). This variant is not present in population databases (gnomAD no frequency). This variant has not been reported in the literature in individuals affected with CACNA1D-related conditions. ClinVar contains an entry for this variant (Variation ID: 1305334). An algorithm developed to predict the effect of missense changes on protein structure and function (PolyPhen-2) suggests that this variant is likely to be tolerated. In summary, the available evidence is currently insufficient to determine the role of this variant in disease. Therefore, it has been classified as a Variant of Uncertain Significance.

Revvity Omics, Revvity
Classification: Uncertain significance. Last evaluated: 2023-07-29. Review status: criteria provided, single submitter. Criteria: ACMG Guidelines, 2015. Collection method: clinical testing. Allele origin: germline.

GeneDx
Classification: Uncertain significance. Last evaluated: 2019-05-02. Review status: criteria provided, single submitter. Criteria: GeneDx Variant Classification Process June 2021. Collection method: clinical testing. Allele origin: germline. Affected: yes.
Comment: Not observed in large population cohorts (Lek et al., 2016); In silico analysis, which includes protein predictors and evolutionary conservation, supports that this variant does not alter protein structure/function; Has not been previously published as pathogenic or benign to our knowledge